The following is an entry in ClinVar:

ClinVar aggregate classification (germline): Uncertain significance (1 of 4 stars; one submission).

Conditions:
Anauxetic dysplasia. Identifiers: Orphanet 93347, MedGen C1846796, MONDO:0011773.

gnomAD v4.1: 2 of 700,410 alleles (0.00029%); highest among the groups gnomAD compares: Non-Finnish European, 0.00052%; no homozygotes.

Submission:

Labcorp Genetics (formerly Invitae), Labcorp
Classification: Uncertain significance for Anauxetic dysplasia. Last evaluated: 2022-08-06. Review status: criteria provided, single submitter. Criteria: Invitae Variant Classification Sherloc (09022015). Collection method: clinical testing. Allele origin: germline.
Comment: This variant occurs in the RMRP gene, which encodes an RNA molecule that does not result in a protein product. This variant is not present in population databases (gnomAD no frequency). This variant has not been reported in the literature in individuals affected with RMRP-related conditions. ClinVar contains an entry for this variant (Variation ID: 1494346). Experimental studies and prediction algorithms are not available or were not evaluated, and the functional significance of this variant is currently unknown. In summary, the available evidence is currently insufficient to determine the role of this variant in disease. Therefore, it has been classified as a Variant of Uncertain Significance.

NC_000009.12:g.35657985G>C

Gene: RMRP (RNA component of mitochondrial RNA processing endoribonuclease; minus strand). Cytogenetic location: 9p13.3.
Variant type: single nucleotide variant.
Genome position: GRCh38 VCF-style: chr9-35657985-G-C. GRCh37 (hg19) VCF-style: chr9-35657982-G-C.
Identifiers: ClinVar variation 1494346 (VCV001494346.10), dbSNP rs758862328, ClinGen allele CA464451004.
Genomic context (GRCh38, chr9:35,657,985, plus strand): 5'-CTCTGCCCGAGGTCCGGGGACTTTCCCCTAGGCGGAAAGGGGAGGAACAGAGTCCTCAGT[G>C]TGTAGCCTAGGATACAGGCCTTCAGCACGAACCACGTCCTCAGCTTCACAGAGTAGTATT-3'